The following is an entry in ClinVar:

ClinVar aggregate classification (germline): Pathogenic (1 of 4 stars; one submission).

Submission:

Labcorp Genetics (formerly Invitae), Labcorp
Classification: Pathogenic. Last evaluated: 2021-10-14. Review status: criteria provided, single submitter. Criteria: Invitae Variant Classification Sherloc (09022015). Collection method: clinical testing. Allele origin: germline.
Comment: This variant has not been reported in the literature in individuals affected with ABCC8-related conditions. This variant is a gross deletion of the genomic region encompassing exon(s) 7-10 of the ABCC8 gene. This deletion is out-of-frame, and is expected to create a premature termination codon and result in an absent or disrupted protein product. Loss-of-function variants in ABCC8 are known to be pathogenic (PMID: 20685672, 23345197). For these reasons, this variant has been classified as Pathogenic.

Literature cited by the submitters: PubMed 20685672; PubMed 23345197.

NC_000011.9:g.(?_17464257)_(17474840_?)del

Gene: ABCC8 (ATP binding cassette subfamily C member 8; minus strand). Cytogenetic location: 11p15.1.
Variant type: Deletion.
Identifiers: ClinVar variation 1392912 (VCV001392912.4).